The following is an entry in ClinVar:

NM_000238.4(KCNH2):c.115T>C (p.Cys39Arg)

Gene: KCNH2 (potassium voltage-gated channel subfamily H member 2; minus strand). Cytogenetic location: 7q36.1.
Variant type: single nucleotide variant.
Coding change: c.115T>C on transcript NM_000238.4 (MANE Select); coding-DNA position 115, T replaced by C.
Protein change: p.Cys39Arg; replaces cysteine 39 with arginine.
Molecular consequence: missense variant.
Genome position (GRCh38, 1-based): chr7:150,974,903, A>G on the plus strand (T>C on the coding strand, the complement: KCNH2 is on the minus strand). VCF-style: chr7-150974903-A-G. GRCh37 (hg19) VCF-style: chr7-150671991-A-G.
Other names: c.-63T>C (NM_001406755.1); c.115T>C, p.Cys39Arg (NM_172056.3); short protein forms C39R.
Identifiers: ClinVar variation 456883 (VCV000456883.20), dbSNP rs757491162, ClinGen allele CA027276.

ClinVar aggregate classification (germline): Conflicting classifications of pathogenicity. Review status: criteria provided, conflicting classifications (1 of 4 stars). 9 submissions from 9 submitters: Uncertain significance (8); Likely benign (1). Last evaluated 2025-11-25.

Conditions:
KCNH2-related disorder. Also called: KCNH2-related condition; KCNH2-related disorders.
Cardiac arrhythmia. Also called: Cardiac rhythm disease; Arrhythmia. Identifiers: MedGen C0003811, MONDO:0007263, HP:0011675.
Cardiovascular phenotype. Identifiers: MedGen CN230736.
Long QT syndrome 2 (LQT2). Identifiers: Orphanet 101016, Orphanet 768, MedGen C3150943, MONDO:0013367, OMIM 613688.
Short QT syndrome type 1. Identifiers: Orphanet 51083, MedGen C1865020, MONDO:0012312, OMIM 609620.
Long QT syndrome (LQTS). Identifiers: MedGen C0023976, MeSH D008133, MONDO:0002442. Disease mechanism: loss of function. Inheritance: Various modes of inheritance.

Allele frequency attached by ClinVar (database versions not stated): ExAC 0.00001; gnomAD exomes 0.00002 and 0.00003; gnomAD 0.00004 and 0.00005; TOPMed 0.00006.
gnomAD v4.1: 27 of 1,611,024 alleles (0.0017%); highest among the groups gnomAD compares: Non-Finnish European, 0.0023%; no homozygotes.

Submissions (9):

Labcorp Genetics (formerly Invitae), Labcorp
Classification: Uncertain significance for Long QT syndrome. Last evaluated: 2025-11-25. Review status: criteria provided, single submitter. Criteria: Invitae Variant Classification Sherloc (09022015). Collection method: clinical testing. Allele origin: germline.
Comment: This sequence change replaces cysteine, which is neutral and slightly polar, with arginine, which is basic and polar, at codon 39 of the KCNH2 protein (p.Cys39Arg). This variant is present in population databases (rs757491162, gnomAD 0.006%). This missense change has been observed in individual(s) with long QT syndrome (PMID: 23174487). ClinVar contains an entry for this variant (Variation ID: 456883). An algorithm developed to predict the effect of missense changes on protein structure and function (PolyPhen-2) suggests that this variant is likely to be disruptive. Experimental studies have shown that this missense change does not substantially affect KCNH2 function (PMID: 26958806, 31557540). In summary, the available evidence is currently insufficient to determine the role of this variant in disease. Therefore, it has been classified as a Variant of Uncertain Significance.

Molecular Diagnostic Laboratory for Inherited Cardiovascular Disease, Montreal Heart Institute
Classification: Uncertain significance for Cardiovascular phenotype. Last evaluated: 2025-04-09. Review status: criteria provided, single submitter. Criteria: ACMG Guidelines, 2015. Collection method: clinical testing. Allele origin: germline. Affected: yes.
Comment: PM1_strong, PP2, PP3, BS3_supp

Ambry Genetics
Classification: Uncertain significance for Cardiovascular phenotype. Last evaluated: 2025-03-19. Review status: criteria provided, single submitter. Criteria: Ambry Variant Classification Scheme 2023. Collection method: clinical testing. Allele origin: germline.
Comment: The p.C39R variant (also known as c.115T>C), located in coding exon 2 of the KCNH2 gene, results from a T to C substitution at nucleotide position 115. The cysteine at codon 39 is replaced by arginine, an amino acid with highly dissimilar properties, and is located in the N-terminal region of the protein. This variant has been reported in an individual with long QT syndrome (LQTS), who also had other LQTS-associated variants (Mullally J et al. Heart Rhythm, 2013 Mar;10:378-82;). This variant was also reported in three individuals in an LQTS cohort; however, clinical details were limited (Kim JA et al. Heart Rhythm, 2010 Dec;7:1797-805). Limited functional studies have demonstrated membrane expression that is similar to wild-type levels (Perry MD et al. J. Physiol. (Lond.), 2016 07;594:4031-49; Ng CA et al. Heart Rhythm, 2020 03;17:492-500). This amino acid position is highly conserved in available vertebrate species. In addition, this alteration is predicted to be deleterious by in silico analysis. Since supporting evidence is limited at this time, the clinical significance of this alteration remains unclear.

Color Diagnostics, LLC DBA Color Health
Classification: Uncertain significance for Cardiac arrhythmia. Last evaluated: 2024-07-22. Review status: criteria provided, single submitter. Criteria: ACMG Guidelines, 2015. Collection method: clinical testing. Allele origin: germline.
Comment: This missense variant replaces cysteine with arginine at codon 39 of the KCNH2 protein. Computational prediction tools indicate that this variant has a deleterious impact on protein structure and function. This variant is found within a highly conserved N-terminus cluster region (a.a. 1-130). Rare non-truncating variants in this region have been shown to be significantly overrepresented in individuals with long QT syndrome (PMID: 32893267). An in vitro functional study using transfected HEK293 cells has shown that this variant causes cell-surface protein expression levels within 10% of wild-type (PMID: 26958806). Additionally, a high-throughput functional study has shown that this variant causes normal deactivation gating kinetics (PMID: 31557540). This variant has been reported in individuals affected with long QT syndrome (PMID: 20850565, 21185501, 23174487) and in an individual suspected to be affected with epilepsy (PMID: 31696929). This variant has been identified in 6/243308 chromosomes in the general population by the Genome Aggregation Database (gnomAD). The available evidence is insufficient to determine the role of this variant in disease conclusively. Therefore, this variant is classified as a Variant of Uncertain Significance.

All of Us Research Program, National Institutes of Health
Classification: Uncertain significance for Long QT syndrome. Last evaluated: 2024-01-08. Review status: criteria provided, single submitter. Criteria: ACMG Guidelines, 2015. Collection method: clinical testing. Allele origin: germline. Inheritance: Autosomal dominant inheritance. Observed: 3 variant alleles, 3 heterozygotes.
Comment: This study involves interpretation of variants in research participants for the purpose of population health screening. Participant phenotype was not available at the time of variant classification. Additional details can be found in publication PMID: 35346344, PMCID: PMC8962531

PreventionGenetics, part of Exact Sciences
Classification: Uncertain significance for KCNH2-related condition. Last evaluated: 2023-06-21. Review status: criteria provided, single submitter. Criteria: ACMG Guidelines, 2015. Collection method: clinical testing. Allele origin: germline.
Comment: The KCNH2 c.115T>C variant is predicted to result in the amino acid substitution p.Cys39Arg. This variant was reported in 3 individuals from a cohort of long-QT syndrome type-2 (LQT2) patients, although no additional clinical information was provided (Kim JA et al. 2010. PubMed ID: 20850565). This variant, along with several other variants, was reported in another individual with Long QT syndrome (Mullally et al 2013. PubMed ID: 23174487). In vitro functional studies show that this variant results in cell surface protein expression within ±10% compared to control, and in an electrophysiological functional study, showed similar gating kinetics to control (Perry MD et al. 2016. PubMed ID: 26958806; Ng CA et al 2019. PubMed ID: 31557540). This variant is reported in 0.0055% of alleles in individuals of European (Non-Finnish) descent in gnomAD. At this time, the clinical significance of this variant is uncertain due to the absence of conclusive functional and genetic evidence.

Blueprint Genetics
Classification: Likely benign. Last evaluated: 2022-02-22. Review status: criteria provided, single submitter. Criteria: ACMG Guidelines, 2015. Collection method: clinical testing. Allele origin: germline.

Fulgent Genetics
Classification: Uncertain significance for Short QT syndrome type 1; Long QT syndrome 2. Last evaluated: 2021-09-06. Review status: criteria provided, single submitter. Criteria: ACMG Guidelines, 2015. Collection method: clinical testing. Allele origin: unknown.

Revvity Omics, Revvity
Classification: Uncertain significance. Last evaluated: 2021-04-16. Review status: criteria provided, single submitter. Criteria: ACMG Guidelines, 2015. Collection method: clinical testing. Allele origin: germline.

Literature cited by the submitters: PubMed 23174487 (cited by 3 submitters); PubMed 26958806 (cited by 3 submitters); PubMed 31557540 (cited by 3 submitters); PubMed 20850565 (cited by Ambry Genetics and Color Diagnostics, LLC DBA Color Health); PubMed 21185501 (cited by Color Diagnostics, LLC DBA Color Health); PubMed 31696929 (cited by Color Diagnostics, LLC DBA Color Health); PubMed 32893267 (cited by Color Diagnostics, LLC DBA Color Health).